The following is an entry in ClinVar:

NM_001377530.1(DMBT1):c.5388C>A (p.Asp1796Glu)

Gene: DMBT1 (deleted in malignant brain tumors 1; plus strand). Cytogenetic location: 10q26.13.
Variant type: single nucleotide variant.
Coding change: c.5388C>A on transcript NM_001377530.1 (MANE Select); coding-DNA position 5388, C replaced by A.
Protein change: p.Asp1796Glu; replaces aspartic acid 1796 with glutamic acid.
Molecular consequence: missense variant.
Genome position (GRCh38, 1-based): chr10:122,621,160, C>A. VCF-style: chr10-122621160-C-A. GRCh37 (hg19) VCF-style: chr10-124380676-C-A.
Other names: c.5001C>A, p.Asp1667Glu (NM_001320644.2, NM_007329.3); c.3117C>A, p.Asp1039Glu (NM_004406.3); c.4971C>A, p.Asp1657Glu (NM_017579.3); short protein forms D1039E, D1657E, D1667E, D1796E.
Identifiers: ClinVar variation 1180326 (VCV001180326.3), dbSNP rs150865923, ClinGen allele CA5727892.

ClinVar aggregate classification (germline): Benign. Review status: criteria provided, multiple submitters, no conflicts (2 of 4 stars). 2 submissions from 2 submitters: Benign (2). Last evaluated 2020-04-27.

Allele frequency attached by ClinVar (database versions not stated): ESP Exome Variant Server 0.00016; gnomAD 0.00371; gnomAD exomes 0.00439; 1000 Genomes Project 30x 0.03045; 1000 Genomes Project 0.03255.

Submissions (2):

GeneDx
Classification: Benign. Last evaluated: 2020-04-27. Review status: criteria provided, single submitter. Criteria: GeneDx Variant Classification Process June 2021. Collection method: clinical testing. Allele origin: germline. Affected: yes.
Comment: This variant is associated with the following publications: (PMID: 31655821)

Breakthrough Genomics
Classification: Benign. Review status: criteria provided, single submitter. Criteria: ACMG Guidelines, 2015. Collection method: not provided. Allele origin: germline. Inheritance: Unknown mechanism. Affected: yes.